The following is an entry in ClinVar:

ClinVar aggregate classification (germline): Uncertain significance (1 of 4 stars; one submission).

Submission:

Labcorp Genetics (formerly Invitae), Labcorp
Classification: Uncertain significance. Last evaluated: 2024-01-06. Review status: criteria provided, single submitter. Criteria: Invitae Variant Classification Sherloc (09022015). Collection method: clinical testing. Allele origin: germline.
Comment: This sequence change replaces glycine, which is neutral and non-polar, with arginine, which is basic and polar, at codon 587 of the HMCN1 protein (p.Gly587Arg). This variant is not present in population databases (gnomAD no frequency). This variant has not been reported in the literature in individuals affected with HMCN1-related conditions. An algorithm developed to predict the effect of missense changes on protein structure and function (PolyPhen-2) suggests that this variant is likely to be disruptive. In summary, the available evidence is currently insufficient to determine the role of this variant in disease. Therefore, it has been classified as a Variant of Uncertain Significance.

NM_031935.3(HMCN1):c.1759G>A (p.Gly587Arg)

Gene: HMCN1 (hemicentin 1; plus strand). Cytogenetic location: 1q31.1.
Variant type: single nucleotide variant.
Coding change: c.1759G>A on transcript NM_031935.3 (MANE Select); coding-DNA position 1759, G replaced by A.
Protein change: p.Gly587Arg; replaces glycine 587 with arginine.
Molecular consequence: missense variant.
Genome position (GRCh38, 1-based): chr1:185,933,755, G>A. VCF-style: chr1-185933755-G-A. GRCh37 (hg19) VCF-style: chr1-185902887-G-A.
Other names: short protein forms G587R.
Identifiers: ClinVar variation 2708017 (VCV002708017.3), dbSNP rs2527154955, ClinGen allele CA343868419.